The following is an entry in ClinVar:

NM_005372.1(MOS):c.875C>T (p.Ala292Val)

Gene: MOS (MOS proto-oncogene, serine/threonine kinase; minus strand). Cytogenetic location: 8q12.1.
Variant type: single nucleotide variant.
Coding change: c.875C>T on transcript NM_005372.1 (MANE Select); coding-DNA position 875, C replaced by T.
Protein change: p.Ala292Val; replaces alanine 292 with valine.
Molecular consequence: missense variant.
Genome position (GRCh38, 1-based): chr8:56,113,108, G>A on the plus strand (C>T on the coding strand, the complement: MOS is on the minus strand). VCF-style: chr8-56113108-G-A. GRCh37 (hg19) VCF-style: chr8-57025667-G-A.
Other names: A229V; short protein forms A292V.
Identifiers: ClinVar variation 2502328 (VCV002502328.3), dbSNP rs1810519989, ClinGen allele CA371289212.

ClinVar aggregate classification (germline): Uncertain significance. Review status: criteria provided, single submitter (1 of 4 stars). 2 submissions from 2 submitters: Uncertain significance (1). 1 of the submissions does not count toward it.

Conditions:
Oocyte/zygote/embryo maturation arrest 20 (OZEMA20). Identifiers: MedGen C5830539, MONDO:0957278, OMIM 620383.

Allele frequency attached by ClinVar (database versions not stated): gnomAD exomes below 0.00001.

Submissions (2):

Juno Genomics, Hangzhou Juno Genomics, Inc
Classification: Uncertain significance for Oocyte/zygote/embryo maturation arrest 20. Review status: criteria provided, single submitter. Criteria: ACMG Guidelines, 2015. Collection method: clinical testing. Allele origin: germline. Affected: yes.
Comment: Absent from controls (or at extremely low frequency if recessive) in Genome Aggregation Database, Exome Sequencing Project, 1000 Genomes Project, or Exome Aggregation Consortium.;Well-established in vitro or in vivo functional studies supportive of a damaging effect on the gene or gene product.;Patient's phenotype or family history is highly specific for a disease with a single genetic etiology.

OMIM
Classification: Pathogenic for OOCYTE/ZYGOTE/EMBRYO MATURATION ARREST 20. Last evaluated: 2023-05-17. Review status: no assertion criteria provided. Collection method: literature only. Allele origin: germline. Not counted in ClinVar's aggregate classification.

Literature cited by the submitters: PubMed 35670744 (cited by OMIM).